The following is an entry in ClinVar:

ClinVar aggregate classification (germline): Uncertain significance (1 of 4 stars; one submission).

Conditions:
Atrial fibrillation, familial, 14 (ATFB14). Identifiers: MedGen C3809312, MONDO:0014156, OMIM 615378.

Allele frequency attached by ClinVar (database versions not stated): TOPMed below 0.00001; gnomAD exomes 0.00001.

Submission:

Labcorp Genetics (formerly Invitae), Labcorp
Classification: Uncertain significance for Atrial fibrillation, familial, 14. Last evaluated: 2022-07-19. Review status: criteria provided, single submitter. Criteria: Invitae Variant Classification Sherloc (09022015). Collection method: clinical testing. Allele origin: germline.
Comment: In summary, the available evidence is currently insufficient to determine the role of this variant in disease. Therefore, it has been classified as a Variant of Uncertain Significance. Algorithms developed to predict the effect of missense changes on protein structure and function are either unavailable or do not agree on the potential impact of this missense change (SIFT: "Tolerated"; PolyPhen-2: "Probably Damaging"; Align-GVGD: "Class C0"). ClinVar contains an entry for this variant (Variation ID: 1520112). This variant has not been reported in the literature in individuals affected with SCN2B-related conditions. This variant is not present in population databases (gnomAD no frequency). This sequence change replaces glycine, which is neutral and non-polar, with serine, which is neutral and polar, at codon 206 of the SCN2B protein (p.Gly206Ser).

NM_004588.5(SCN2B):c.616G>A (p.Gly206Ser)

Gene: SCN2B (sodium voltage-gated channel beta subunit 2; minus strand). Cytogenetic location: 11q23.3.
Variant type: single nucleotide variant.
Coding change: c.616G>A on transcript NM_004588.5 (MANE Select); coding-DNA position 616, G replaced by A.
Protein change: p.Gly206Ser; replaces glycine 206 with serine.
Molecular consequence: missense variant.
Genome position (GRCh38, 1-based): chr11:118,166,919, C>T on the plus strand (G>A on the coding strand, the complement: SCN2B is on the minus strand). VCF-style: chr11-118166919-C-T. GRCh37 (hg19) VCF-style: chr11-118037634-C-T.
Other names: short protein forms G206S.
Identifiers: ClinVar variation 1520112 (VCV001520112.8), dbSNP rs1591444155, ClinGen allele CA382783377.